The following is an entry in ClinVar:

ClinVar aggregate classification (germline): Likely benign. Review status: criteria provided, multiple submitters, no conflicts (2 of 4 stars). 7 submissions from 4 submitters: Likely benign (7). Last evaluated 2025-10-13.

Conditions:
Malignant hyperthermia, susceptibility to, 5 (MHS5). Also called: CACNA1S-Related Malignant Hyperthermia Susceptibility. Identifiers: Orphanet 423, MedGen C1866077, MONDO:0011163, OMIM 601887.
Hypokalemic periodic paralysis, type 1. Also called: HypoPP; Hypokalemic Periodic Paralysis Type 1 (AD). Identifiers: Orphanet 681, MedGen C3714580, MONDO:0042979, OMIM 170400.
Congenital myopathy 18. Also called: Myopathy, congenital, due to dihydropyridine receptor defect; DIHYDROPYRIDINE RECEPTOR CONGENITAL MYOPATHY; DHPR CONGENITAL MYOPATHY. Identifiers: MedGen C5830283, MONDO:0859514, OMIM 620246.
Thyrotoxic periodic paralysis, susceptibility to, 1 (TTPP1). Identifiers: Orphanet 79102, MedGen C2749982, MONDO:0008570, OMIM 188580.

Allele frequency attached by ClinVar (database versions not stated): gnomAD 0.00006 and 0.00007; TOPMed 0.00006; gnomAD exomes 0.00012 and 0.00013; ExAC 0.00018; 1000 Genomes Project 0.00020.
gnomAD v4.1: 202 of 1,597,066 alleles (0.013%); highest among the groups gnomAD compares: Non-Finnish European, 0.015%; no homozygotes.

Submissions (7):

Labcorp Genetics (formerly Invitae), Labcorp
Classification: Likely benign for Hypokalemic periodic paralysis, type 1; Malignant hyperthermia, susceptibility to, 5. Last evaluated: 2025-10-13. Review status: criteria provided, single submitter. Criteria: Invitae Variant Classification Sherloc (09022015). Collection method: clinical testing. Allele origin: germline.

Blueprint Genetics
Classification: Likely benign. Last evaluated: 2024-06-07. Review status: criteria provided, single submitter. Criteria: ACMG Guidelines, 2015. Collection method: clinical testing. Allele origin: germline.

Genome-Nilou Lab
Classification: Likely benign for Malignant hyperthermia, susceptibility to, 5. Last evaluated: 2023-04-11. Review status: criteria provided, single submitter. Criteria: ACMG Guidelines, 2015. Collection method: clinical testing. Allele origin: germline. Affected: no.

Genome-Nilou Lab
Classification: Likely benign for Thyrotoxic periodic paralysis, susceptibility to, 1. Last evaluated: 2023-04-11. Review status: criteria provided, single submitter. Criteria: ACMG Guidelines, 2015. Collection method: clinical testing. Allele origin: germline. Affected: no.

Genome-Nilou Lab
Classification: Likely benign for Congenital myopathy 18. Last evaluated: 2023-04-11. Review status: criteria provided, single submitter. Criteria: ACMG Guidelines, 2015. Collection method: clinical testing. Allele origin: germline. Affected: no.

Genome-Nilou Lab
Classification: Likely benign for Hypokalemic periodic paralysis, type 1. Last evaluated: 2023-04-11. Review status: criteria provided, single submitter. Criteria: ACMG Guidelines, 2015. Collection method: clinical testing. Allele origin: germline. Affected: no.

GeneDx
Classification: Likely benign. Last evaluated: 2018-01-12. Review status: criteria provided, single submitter. Criteria: GeneDx Variant Classification (06012015). Collection method: clinical testing. Allele origin: germline. Affected: yes.
Comment: This variant is considered likely benign or benign based on one or more of the following criteria: it is a conservative change, it occurs at a poorly conserved position in the protein, it is predicted to be benign by multiple in silico algorithms, and/or has population frequency not consistent with disease.

NM_000069.3(CACNA1S):c.3953+16C>T

Gene: CACNA1S (calcium voltage-gated channel subunit alpha1 S; minus strand). Cytogenetic location: 1q32.1.
Variant type: single nucleotide variant.
Coding change: c.3953+16C>T on transcript NM_000069.3 (MANE Select); 16 bases into the intron after coding-DNA position 3953, C replaced by T.
Molecular consequence: intron variant.
Genome position (GRCh38, 1-based): chr1:201,052,541, G>A on the plus strand (C>T on the coding strand, the complement: CACNA1S is on the minus strand). VCF-style: chr1-201052541-G-A. GRCh37 (hg19) VCF-style: chr1-201021669-G-A.
Identifiers: ClinVar variation 514368 (VCV000514368.8), dbSNP rs201874906, ClinGen allele CA082954.